The following is an entry in ClinVar:

ClinVar aggregate classification (germline): Likely pathogenic. Review status: criteria provided, multiple submitters, no conflicts (2 of 4 stars). 2 submissions from 2 submitters: Likely pathogenic (2). Last evaluated 2023-06-15.

Conditions:
Arthrogryposis multiplex congenita 5. Identifiers: MedGen C5436453, MONDO:0100218, OMIM 618947.

Allele frequency attached by ClinVar (database versions not stated): gnomAD exomes below 0.00001; ExAC 0.00001.

Submissions (2):

Division of Medical Genetics, Department of Pediatrics, All India Institute of Medical Sciences, New Delhi
Classification: Likely pathogenic for Arthrogryposis multiplex congenita 5. Last evaluated: 2023-06-15. Review status: criteria provided, single submitter. Criteria: ACMG Guidelines, 2015. Collection method: research. Allele origin: germline. Affected: yes.

Foundation for Research in Genetics and Endocrinology, FRIGE's Institute of Human Genetics
Classification: Likely pathogenic for Arthrogryposis multiplex congenita 5. Last evaluated: 2023-03-16. Review status: criteria provided, single submitter. Criteria: ACMG Guidelines, 2015. Collection method: clinical testing. Allele origin: germline. Inheritance: Autosomal recessive inheritance. Affected: yes. Observed: 1 homozygote.
Comment: A homozygous nonsense variant in exon 5 of the TOR1A gene that results in a stop codon and premature truncation of the protein at codon 282 was detected. This variant has not been reported in the 1000 genomes, gnomAD and topmed databases and has a minor allele frequency of 0.004% in our internal database. The in silico prediction of the variant is damaging by MutationTaster2. The reference codon is conserved across species. The variant meets our criteria to be classified as likely pathogenic.

NM_000113.3(TOR1A):c.844C>T (p.Arg282Ter)

Gene: TOR1A (torsin family 1 member A; minus strand). Cytogenetic location: 9q34.11.
Variant type: single nucleotide variant.
Coding change: c.844C>T on transcript NM_000113.3 (MANE Select); coding-DNA position 844, C replaced by T.
Protein change: p.Arg282Ter; replaces arginine 282 with a stop codon.
Molecular consequence: nonsense.
Genome position (GRCh38, 1-based): chr9:129,814,127, G>A on the plus strand (C>T on the coding strand, the complement: TOR1A is on the minus strand). VCF-style: chr9-129814127-G-A. GRCh37 (hg19) VCF-style: chr9-132576406-G-A.
Other names: p.Arg282Ter; c.844C>T (NM_000113.2); short protein forms R282*.
Identifiers: ClinVar variation 2445982 (VCV002445982.2), dbSNP rs753220814, ClinGen allele CA5278524.